The following is an entry in ClinVar:

NM_201596.3(CACNB2):c.1144G>A (p.Ala382Thr)

Gene: CACNB2 (calcium voltage-gated channel auxiliary subunit beta 2; plus strand). Cytogenetic location: 10p12.31.
Variant type: single nucleotide variant.
Coding change: c.1144G>A on transcript NM_201596.3 (MANE Select); coding-DNA position 1144, G replaced by A.
Protein change: p.Ala382Thr; replaces alanine 382 with threonine.
Molecular consequence: missense variant.
Genome position (GRCh38, 1-based): chr10:18,534,165, G>A. VCF-style: chr10-18534165-G-A. GRCh37 (hg19) VCF-style: chr10-18823094-G-A.
Other names: c.979G>A, p.Ala327Thr (NM_000724.4); c.946G>A, p.Ala316Thr (NM_001167945.2); c.865G>A, p.Ala289Thr (NM_001330060.2); c.886G>A, p.Ala296Thr (NM_001410882.1); c.1000G>A, p.Ala334Thr (NM_201570.3); c.1060G>A, p.Ala354Thr (NM_201571.4); c.988G>A, p.Ala330Thr (NM_201572.4); c.982G>A, p.Ala328Thr (NM_201590.3); and 2 more; short protein forms A289T, A296T, A334T, A358T, A382T, A327T, A328T, A330T.
Identifiers: ClinVar variation 1768338 (VCV001768338.4), dbSNP rs1318411856, ClinGen allele CA376067925.

ClinVar aggregate classification (germline): Uncertain significance. Review status: criteria provided, multiple submitters, no conflicts (2 of 4 stars). 2 submissions from 2 submitters: Uncertain significance (2). Last evaluated 2025-12-14.

Conditions:
Brugada syndrome 4 (BRGDA4). Identifiers: Orphanet 130, MedGen C2678477, MONDO:0012743, OMIM 611876.
Cardiovascular phenotype. Identifiers: MedGen CN230736.

gnomAD v4.1: 3 of 1,613,780 alleles (0.00019%); highest among the groups gnomAD compares: Non-Finnish European, 0.00025%; no homozygotes.

Submissions (2):

Labcorp Genetics (formerly Invitae), Labcorp
Classification: Uncertain significance for Brugada syndrome 4. Last evaluated: 2025-12-14. Review status: criteria provided, single submitter. Criteria: Invitae Variant Classification Sherloc (09022015). Collection method: clinical testing. Allele origin: germline.
Comment: This sequence change replaces alanine, which is neutral and non-polar, with threonine, which is neutral and polar, at codon 328 of the CACNB2 protein (p.Ala328Thr). This variant is present in population databases (no rsID available, gnomAD 0.0009%). This variant has not been reported in the literature in individuals affected with CACNB2-related conditions. ClinVar contains an entry for this variant (Variation ID: 1768338). Invitae Evidence Modeling of protein sequence and biophysical properties (such as structural, functional, and spatial information, amino acid conservation, physicochemical variation, residue mobility, and thermodynamic stability) indicates that this missense variant is not expected to disrupt CACNB2 protein function with a negative predictive value of 80%. In summary, the available evidence is currently insufficient to determine the role of this variant in disease. Therefore, it has been classified as a Variant of Uncertain Significance.

Ambry Genetics
Classification: Uncertain significance for Cardiovascular phenotype. Last evaluated: 2025-05-06. Review status: criteria provided, single submitter. Criteria: Ambry Variant Classification Scheme 2023. Collection method: clinical testing. Allele origin: germline.
Comment: The p.A328T variant (also known as c.982G>A), located in coding exon 10 of the CACNB2 gene, results from a G to A substitution at nucleotide position 982. The alanine at codon 328 is replaced by threonine, an amino acid with similar properties. This amino acid position is not well conserved in available vertebrate species. In addition, this alteration is predicted to be tolerated by in silico analysis. The evidence for this gene-disease relationship is limited; therefore, the clinical significance of this alteration is unclear.